The following is an entry in ClinVar:

NM_000037.4(ANK1):c.1951_1954del (p.Val651fs)

Gene: ANK1 (ankyrin 1; minus strand). Cytogenetic location: 8p11.21.
Variant type: Deletion.
Coding change: c.1951_1954del on transcript NM_000037.4 (MANE Select); coding-DNA positions 1951 to 1954, 4 bases deleted (GTGG; older notation c.1951_1954delGTGG).
Protein change: p.Val651fs; shifts the reading frame from valine 651.
Molecular consequence: frameshift variant.
Genome position (GRCh38, 1-based): chr8:41,708,822-41,708,825, CCAC deleted on the plus strand (GTGG on the coding strand, the reverse complement: ANK1 is on the minus strand); deleting any 4 consecutive bases within chr8:41,708,822-41,708,826 gives the same sequence; the c. name uses the placement nearest the transcript's 3' end. VCF-style (leftmost placement, unchanged base first): chr8-41708821-GCCAC-G. GRCh37 (hg19) VCF-style: chr8-41566339-GCCAC-G.
Other names: p.Val651Leufs*24; c.2050_2053del, p.Val684fs (NM_001142446.2); c.1951_1954del, p.Val651fs (NM_020475.3, NM_020476.3, NM_020477.3); short protein forms V651fs, V684fs.
Identifiers: ClinVar variation 3381041 (VCV003381041.1).

ClinVar aggregate classification (germline): Likely pathogenic (1 of 4 stars; one submission).

Submission:

Mayo Clinic Laboratories, Mayo Clinic
Classification: Likely pathogenic. Last evaluated: 2024-01-19. Review status: criteria provided, single submitter. Criteria: ACMG Guidelines, 2015. Collection method: clinical testing. Allele origin: germline. Observed: 1 variant allele.
Comment: PM2_moderate, PVS1